The following is an entry in ClinVar:

ClinVar aggregate classification (germline): Uncertain significance. Review status: criteria provided, multiple submitters, no conflicts (2 of 4 stars). 4 submissions from 4 submitters: Uncertain significance (4). Last evaluated 2025-01-23.

Conditions:
Familial thoracic aortic aneurysm and aortic dissection (TAAD). Also called: Thoracic aortic aneurysms and dissections. Identifiers: Orphanet 91387, MedGen C4707243, MONDO:0019625.
Ehlers-Danlos syndrome, kyphoscoliotic type 1 (EDSKSCL1). Also called: EHLERS-DANLOS SYNDROME, TYPE VIA; Ehlers-Danlos syndrome, hydroxylysine-deficient; EHLERS-DANLOS SYNDROME, OCULAR-SCOLIOTIC TYPE; PLOD1-Related Kyphoscoliotic Ehlers-Danlos Syndrome. Identifiers: Orphanet 1900, MedGen C0268342, MONDO:0016002, OMIM 225400. Disease mechanism: loss of function.

Allele frequency attached by ClinVar (database versions not stated): gnomAD 0.00001 and 0.00003; ExAC 0.00002; gnomAD exomes 0.00006 and 0.00007; 1000 Genomes Project 0.00020; 1000 Genomes Project 30x 0.00031.
gnomAD v4.1: 79 of 1,244,630 alleles (0.0063%); highest among the groups gnomAD compares: Admixed American, 0.018%; no homozygotes.

Submissions (4):

Ambry Genetics
Classification: Uncertain significance for Familial thoracic aortic aneurysm and aortic dissection. Last evaluated: 2025-01-23. Review status: criteria provided, single submitter. Criteria: Ambry Variant Classification Scheme 2023. Collection method: clinical testing. Allele origin: germline.

Labcorp Genetics (formerly Invitae), Labcorp
Classification: Uncertain significance for Ehlers-Danlos syndrome, kyphoscoliotic type 1. Last evaluated: 2024-11-03. Review status: criteria provided, single submitter. Criteria: Invitae Variant Classification Sherloc (09022015). Collection method: clinical testing. Allele origin: germline.
Comment: This sequence change replaces arginine, which is basic and polar, with histidine, which is basic and polar, at codon 442 of the PLOD1 protein (p.Arg442His). This variant is present in population databases (rs199567720, gnomAD 0.02%). This variant has not been reported in the literature in individuals affected with PLOD1-related conditions. ClinVar contains an entry for this variant (Variation ID: 292293). Invitae Evidence Modeling of protein sequence and biophysical properties (such as structural, functional, and spatial information, amino acid conservation, physicochemical variation, residue mobility, and thermodynamic stability) has been performed for this missense variant. However, the output from this modeling did not meet the statistical confidence thresholds required to predict the impact of this variant on PLOD1 protein function. In summary, the available evidence is currently insufficient to determine the role of this variant in disease. Therefore, it has been classified as a Variant of Uncertain Significance.

GeneDx
Classification: Uncertain significance. Last evaluated: 2023-09-08. Review status: criteria provided, single submitter. Criteria: GeneDx Variant Classification Process June 2021. Collection method: clinical testing. Allele origin: germline. Affected: yes.
Comment: Has not been previously published as pathogenic or benign to our knowledge; In silico analysis supports that this missense variant has a deleterious effect on protein structure/function

Illumina Laboratory Services, Illumina
Classification: Uncertain significance for Ehlers-Danlos syndrome, kyphoscoliotic type 1. Last evaluated: 2018-01-13. Review status: criteria provided, single submitter. Criteria: ICSL Variant Classification Criteria 13 December 2019. Collection method: clinical testing. Allele origin: germline.

NM_000302.4(PLOD1):c.1325G>A (p.Arg442His)

Gene: PLOD1 (procollagen-lysine,2-oxoglutarate 5-dioxygenase 1; plus strand). Cytogenetic location: 1p36.22.
Variant type: single nucleotide variant.
Coding change: c.1325G>A on transcript NM_000302.4 (MANE Select); coding-DNA position 1325, G replaced by A.
Protein change: p.Arg442His; replaces arginine 442 with histidine.
Molecular consequence: missense variant.
Genome position (GRCh38, 1-based): chr1:11,964,297, G>A. VCF-style: chr1-11964297-G-A. GRCh37 (hg19) VCF-style: chr1-12024354-G-A.
Other names: c.1466G>A, p.Arg489His (NM_001316320.2); short protein forms R442H, R489H.
Identifiers: ClinVar variation 292293 (VCV000292293.14), dbSNP rs199567720, ClinGen allele CA598356.
Genomic context (GRCh38, chr1:11,964,297, plus strand): 5'-TCAGTGCAGATGGCTACTATGCCCGTTCCGAGGACTACGTGGACATTGTGCAGGGGCGGC[G>A]TGTGTGAGTACCTGCAGGGTGGGGGTGGGTGGGGGACACCTTCATCTGGCTTCTGCCTGG-3'
Protein context (NP_000293.2, residues 432-452): EDYVDIVQGR[Arg442His]VGVWNVPYIS